The following is an entry in ClinVar:

ClinVar aggregate classification (germline): Uncertain significance. Review status: criteria provided, multiple submitters, no conflicts (2 of 4 stars). 2 submissions from 2 submitters: Uncertain significance (2). Last evaluated 2019-02-08.

Conditions:
Autosomal recessive limb-girdle muscular dystrophy type 2J (LGMDR10). Also called: Limb-girdle muscular dystrophy, type 2J; MUSCULAR DYSTROPHY, LIMB-GIRDLE, AUTOSOMAL RECESSIVE 10. Identifiers: Orphanet 140922, MedGen C1837342, MONDO:0012127, OMIM 608807.
Dilated cardiomyopathy 1G (CMD1G). Identifiers: Orphanet 154, MedGen C1858763, MONDO:0011400, OMIM 604145.
Cardiovascular phenotype. Identifiers: MedGen CN230736.

Allele frequency attached by ClinVar (database versions not stated): TOPMed 0.00002; gnomAD 0.00003; ESP Exome Variant Server 0.00017.
gnomAD v4.1: 20 of 1,613,442 alleles (0.0012%); highest among the groups gnomAD compares: Non-Finnish European, 0.0017%; no homozygotes.

Submissions (2):

Ambry Genetics
Classification: Uncertain significance for Cardiovascular phenotype. Last evaluated: 2019-02-08. Review status: criteria provided, single submitter. Criteria: Ambry Variant Classification Scheme 2023. Collection method: clinical testing. Allele origin: germline.
Comment: The p.R19053L variant (also known as c.57158G>T), located in coding exon 153 of the TTN gene, results from a G to T substitution at nucleotide position 57158. The arginine at codon 19053 is replaced by leucine, an amino acid with dissimilar properties. This amino acid position is highly conserved in available vertebrate species. In addition, this alteration is predicted to be tolerated by in silico analysis. Since supporting evidence is limited at this time, the clinical significance of this alteration remains unclear.

Labcorp Genetics (formerly Invitae), Labcorp
Classification: Uncertain significance for Dilated cardiomyopathy 1G; Autosomal recessive limb-girdle muscular dystrophy type 2J. Last evaluated: 2017-03-07. Review status: criteria provided, single submitter. Criteria: Invitae Variant Classification Sherloc (09022015). Collection method: clinical testing. Allele origin: germline.

NM_001267550.2(TTN):c.84353G>T (p.Arg28118Leu)

Genes: TTN-AS1 (TTN antisense RNA 1; plus strand), TTN (titin; minus strand). Cytogenetic location: 2q31.2.
Variant type: single nucleotide variant.
Coding change: c.84353G>T on transcript NM_001267550.2 (MANE Select); coding-DNA position 84353, G replaced by T.
Protein change: p.Arg28118Leu; replaces arginine 28118 with leucine.
Molecular consequence: missense variant.
Genome position (GRCh38, 1-based): chr2:178,561,779, C>A on the plus strand (G>T on the coding strand, the complement: TTN is on the minus strand). VCF-style: chr2-178561779-C-A. GRCh37 (hg19) VCF-style: chr2-179426506-C-A.
Other names: c.79430G>T, p.Arg26477Leu (NM_001256850.1); c.57158G>T, p.Arg19053Leu (NM_003319.4); c.76649G>T, p.Arg25550Leu (NM_133378.4); c.57533G>T, p.Arg19178Leu (NM_133432.3); c.57734G>T, p.Arg19245Leu (NM_133437.4); short protein forms R28118L, R19053L, R26477L, R19178L, R19245L, R25550L.
Identifiers: ClinVar variation 467562 (VCV000467562.5), dbSNP rs72648220, ClinGen allele CA1988790.
Genomic context (GRCh38, chr2:178,561,779, plus strand): 5'-CTCTTTCCATAGCGGTTTTCTGCACAAACACGGAACTGATACTCACTTCCTGTTGTCAGG[C>A]GAACTATTTTAATGGATGTTCTTGCAACTGCTTGTGAAACTATGTGCCATGTTGTAGAGG-3'
Protein context (NP_001254479.2, residues 28108-28128): AVARTSIKIV[Arg28118Leu]LTTGSEYQFR